The following is an entry in ClinVar:

ClinVar aggregate classification (germline): Uncertain significance (1 of 4 stars; one submission).

gnomAD v4.1: 4 of 1,614,160 alleles (0.00025%); highest among the groups gnomAD compares: East Asian, 0.0022%; no homozygotes.

Submission:

Women's Health and Genetics/Laboratory Corporation of America, LabCorp
Classification: Uncertain significance. Last evaluated: 2024-07-09. Review status: criteria provided, single submitter. Criteria: LabCorp Variant Classification Summary - May 2015. Collection method: clinical testing. Allele origin: germline.
Comment: Variant summary: LRP1 c.7715A>C (p.Gln2572Pro) results in a non-conservative amino acid change in the encoded protein sequence. Three of five in-silico tools predict a benign effect of the variant on protein function. The variant allele was found at a frequency of 4e-06 in 251092 control chromosomes. The available data on variant occurrences in the general population are insufficient to allow any conclusion about variant significance. To our knowledge, no occurrence of c.7715A>C in individuals affected with LRP1-Related Disorders and no experimental evidence demonstrating its impact on protein function have been reported. No submitters have cited clinical-significance assessments for this variant to ClinVar. Based on the evidence outlined above, the variant was classified as uncertain significance.

NM_002332.3(LRP1):c.7715A>C (p.Gln2572Pro)

Gene: LRP1 (LDL receptor related protein 1; plus strand). Cytogenetic location: 12q13.3.
Variant type: single nucleotide variant.
Coding change: c.7715A>C on transcript NM_002332.3 (MANE Select); coding-DNA position 7715, A replaced by C.
Protein change: p.Gln2572Pro; replaces glutamine 2572 with proline.
Molecular consequence: missense variant.
Genome position (GRCh38, 1-based): chr12:57,193,596, A>C. VCF-style: chr12-57193596-A-C. GRCh37 (hg19) VCF-style: chr12-57587379-A-C.
Other names: short protein forms Q2572P.
Identifiers: ClinVar variation 3339014 (VCV003339014.1).